The following is an entry in ClinVar:

NM_001018115.3(FANCD2):c.1702T>G (p.Phe568Val)

Genes: FANCD2 (FA complementation group D2; plus strand), LOC107303338 (3p25 FANCD2 Alu-mediated recombination region; plus strand). Cytogenetic location: 3p25.3.
Variant type: single nucleotide variant.
Coding change: c.1702T>G on transcript NM_001018115.3 (MANE Select); coding-DNA position 1702, T replaced by G.
Protein change: p.Phe568Val; replaces phenylalanine 568 with valine.
Molecular consequence: missense variant.
Genome position (GRCh38, 1-based): chr3:10,060,339, T>G. VCF-style: chr3-10060339-T-G. GRCh37 (hg19) VCF-style: chr3-10102023-T-G.
Other names: c.1702T>G, p.Phe568Val (NM_001319984.2, NM_001374254.1, NM_033084.6); c.1591T>G, p.Phe531Val (NM_001374253.1); short protein forms F531V, F568V.
Identifiers: ClinVar variation 4749875 (VCV004749875.1).

ClinVar aggregate classification (germline): Uncertain significance (1 of 4 stars; one submission).

Conditions:
Fanconi anemia (FA). Also called: Fanconi's anemia. Identifiers: Orphanet 84, MedGen C0015625, MeSH D005199, MONDO:0019391.

gnomAD v4.1: 5 of 1,613,524 alleles (0.00031%); highest among the groups gnomAD compares: Non-Finnish European, 0.00042%; no homozygotes.

Submission:

Labcorp Genetics (formerly Invitae), Labcorp
Classification: Uncertain significance for Fanconi anemia. Last evaluated: 2025-03-04. Review status: criteria provided, single submitter. Criteria: Invitae Variant Classification Sherloc (09022015). Collection method: clinical testing. Allele origin: germline.
Comment: This sequence change replaces phenylalanine, which is neutral and non-polar, with valine, which is neutral and non-polar, at codon 568 of the FANCD2 protein (p.Phe568Val). This variant is not present in population databases (gnomAD no frequency). This variant has not been reported in the literature in individuals affected with FANCD2-related conditions. Invitae Evidence Modeling of protein sequence and biophysical properties (such as structural, functional, and spatial information, amino acid conservation, physicochemical variation, residue mobility, and thermodynamic stability) indicates that this missense variant is not expected to disrupt FANCD2 protein function with a negative predictive value of 80%. In summary, the available evidence is currently insufficient to determine the role of this variant in disease. Therefore, it has been classified as a Variant of Uncertain Significance.